The following is an entry in ClinVar:

ClinVar aggregate classification (germline): Uncertain significance. Review status: criteria provided, multiple submitters, no conflicts (2 of 4 stars). 3 submissions from 3 submitters: Uncertain significance (3). Last evaluated 2025-07-30.

Conditions:
TRAP1-related disorder. Also called: TRAP1-related condition.

Allele frequency attached by ClinVar (database versions not stated): ExAC 0.00001; gnomAD 0.00001; TOPMed 0.00003; gnomAD exomes 0.00004.
gnomAD v4.1: 57 of 1,613,772 alleles (0.0035%); highest among the groups gnomAD compares: Non-Finnish European, 0.0046%; no homozygotes.

Submissions (3):

Labcorp Genetics (formerly Invitae), Labcorp
Classification: Uncertain significance. Last evaluated: 2025-07-30. Review status: criteria provided, single submitter. Criteria: Invitae Variant Classification Sherloc (09022015). Collection method: clinical testing. Allele origin: germline.
Comment: This sequence change replaces lysine, which is basic and polar, with glutamic acid, which is acidic and polar, at codon 95 of the TRAP1 protein (p.Lys95Glu). This variant is present in population databases (rs774842639, gnomAD 0.004%). This variant has not been reported in the literature in individuals affected with TRAP1-related conditions. ClinVar contains an entry for this variant (Variation ID: 2635076). Invitae Evidence Modeling of protein sequence and biophysical properties (such as structural, functional, and spatial information, amino acid conservation, physicochemical variation, residue mobility, and thermodynamic stability) indicates that this missense variant is not expected to disrupt TRAP1 protein function with a negative predictive value of 80%. In summary, the available evidence is currently insufficient to determine the role of this variant in disease. Therefore, it has been classified as a Variant of Uncertain Significance.

Ambry Genetics
Classification: Uncertain significance. Last evaluated: 2024-11-13. Review status: criteria provided, single submitter. Criteria: Ambry Variant Classification Scheme 2023. Collection method: clinical testing. Allele origin: germline.

PreventionGenetics, part of Exact Sciences
Classification: Uncertain significance for TRAP1-related condition. Last evaluated: 2022-12-20. Review status: criteria provided, single submitter. Criteria: ACMG Guidelines, 2015. Collection method: clinical testing. Allele origin: germline.
Comment: The TRAP1 c.283A>G variant is predicted to result in the amino acid substitution p.Lys95Glu. To our knowledge, this variant has not been reported in the literature. This variant is reported in 0.0044% of alleles in individuals of European (Non-Finnish) descent in gnomAD. At this time, the clinical significance of this variant is uncertain due to the absence of conclusive functional and genetic evidence.

NM_016292.3(TRAP1):c.283A>G (p.Lys95Glu)

Gene: TRAP1 (TNF receptor associated protein 1; minus strand). Cytogenetic location: 16p13.3.
Variant type: single nucleotide variant.
Coding change: c.283A>G on transcript NM_016292.3 (MANE Select); coding-DNA position 283, A replaced by G.
Protein change: p.Lys95Glu; replaces lysine 95 with glutamic acid.
Molecular consequence: missense variant.
Genome position (GRCh38, 1-based): chr16:3,689,102, T>C on the plus strand (A>G on the coding strand, the complement: TRAP1 is on the minus strand). VCF-style: chr16-3689102-T-C. GRCh37 (hg19) VCF-style: chr16-3739103-T-C.
Other names: c.124A>G, p.Lys42Glu (NM_001272049.2); short protein forms K42E, K95E.
Identifiers: ClinVar variation 2635076 (VCV002635076.3), dbSNP rs774842639, ClinGen allele CA7868764.